The following is an entry in ClinVar:

NM_024642.5(GALNT12):c.1523C>T (p.Ala508Val)

Gene: GALNT12 (polypeptide N-acetylgalactosaminyltransferase 12; plus strand). Cytogenetic location: 9q22.33.
Variant type: single nucleotide variant.
Coding change: c.1523C>T on transcript NM_024642.5 (MANE Select); coding-DNA position 1523, C replaced by T.
Protein change: p.Ala508Val; replaces alanine 508 with valine.
Molecular consequence: missense variant.
Genome position (GRCh38, 1-based): chr9:98,846,041, C>T. VCF-style: chr9-98846041-C-T. GRCh37 (hg19) VCF-style: chr9-101608323-C-T.
Other names: short protein forms A508V.
Identifiers: ClinVar variation 1372459 (VCV001372459.8), dbSNP rs2118504994, ClinGen allele CA374221731.

ClinVar aggregate classification (germline): Uncertain significance. Review status: criteria provided, multiple submitters, no conflicts (2 of 4 stars). 2 submissions from 2 submitters: Uncertain significance (2). Last evaluated 2021-08-05.

Allele frequency attached by ClinVar (database versions not stated): gnomAD exomes below 0.00001.

Submissions (2):

Labcorp Genetics (formerly Invitae), Labcorp
Classification: Uncertain significance. Last evaluated: 2021-08-05. Review status: criteria provided, single submitter. Criteria: Invitae Variant Classification Sherloc (09022015). Collection method: clinical testing. Allele origin: germline.
Comment: This sequence change replaces alanine with valine at codon 508 of the GALNT12 protein (p.Ala508Val). The alanine residue is moderately conserved and there is a small physicochemical difference between alanine and valine. This variant is not present in population databases (ExAC no frequency). This variant has not been reported in the literature in individuals affected with GALNT12-related conditions. Algorithms developed to predict the effect of missense changes on protein structure and function (SIFT, PolyPhen-2, Align-GVGD) all suggest that this variant is likely to be tolerated. In summary, the available evidence is currently insufficient to determine the role of this variant in disease. Therefore, it has been classified as a Variant of Uncertain Significance.

Ambry Genetics
Classification: Uncertain significance. Last evaluated: 2019-10-01. Review status: criteria provided, single submitter. Criteria: Ambry Variant Classification Scheme 2023. Collection method: clinical testing. Allele origin: germline.
Comment: The p.A508V variant (also known as c.1523C>T), located in coding exon 9 of the GALNT12 gene, results from a C to T substitution at nucleotide position 1523. The alanine at codon 508 is replaced by valine, an amino acid with similar properties. This amino acid position is poorly conserved in available vertebrate species. In addition, this alteration is predicted to be tolerated by in silico analysis. Since supporting evidence is limited at this time, the clinical significance of this alteration remains unclear.